The following is an entry in ClinVar:

NM_032228.6(FAR1):c.478C>A (p.Arg160Ser)

Gene: FAR1 (fatty acyl-CoA reductase 1; plus strand). Cytogenetic location: 11p15.3.
Variant type: single nucleotide variant.
Coding change: c.478C>A on transcript NM_032228.6 (MANE Select); coding-DNA position 478, C replaced by A.
Protein change: p.Arg160Ser; replaces arginine 160 with serine.
Molecular consequence: missense variant.
Genome position (GRCh38, 1-based): chr11:13,708,012, C>A. VCF-style: chr11-13708012-C-A. GRCh37 (hg19) VCF-style: chr11-13729559-C-A.
Other names: short protein forms R160S.
Identifiers: ClinVar variation 2857232 (VCV002857232.3), dbSNP rs1267562701, ClinGen allele CA379856979.

ClinVar aggregate classification (germline): Uncertain significance (1 of 4 stars; one submission).

Submission:

Labcorp Genetics (formerly Invitae), Labcorp
Classification: Uncertain significance. Last evaluated: 2023-04-18. Review status: criteria provided, single submitter. Criteria: Invitae Variant Classification Sherloc (09022015). Collection method: clinical testing. Allele origin: germline.
Comment: In summary, the available evidence is currently insufficient to determine the role of this variant in disease. Therefore, it has been classified as a Variant of Uncertain Significance. Advanced modeling of protein sequence and biophysical properties (such as structural, functional, and spatial information, amino acid conservation, physicochemical variation, residue mobility, and thermodynamic stability) performed at Invitae indicates that this missense variant is not expected to disrupt FAR1 protein function. This variant has not been reported in the literature in individuals affected with FAR1-related conditions. This variant is not present in population databases (gnomAD no frequency). This sequence change replaces arginine, which is basic and polar, with serine, which is neutral and polar, at codon 160 of the FAR1 protein (p.Arg160Ser).